The following is an entry in ClinVar:

ClinVar aggregate classification (germline): Likely pathogenic (1 of 4 stars; one submission).

Conditions:
Autosomal recessive limb-girdle muscular dystrophy type 2J (LGMDR10). Also called: Limb-girdle muscular dystrophy, type 2J; MUSCULAR DYSTROPHY, LIMB-GIRDLE, AUTOSOMAL RECESSIVE 10. Identifiers: Orphanet 140922, MedGen C1837342, MONDO:0012127, OMIM 608807.
Dilated cardiomyopathy 1G (CMD1G). Identifiers: Orphanet 154, MedGen C1858763, MONDO:0011400, OMIM 604145.

Submission:

Labcorp Genetics (formerly Invitae), Labcorp
Classification: Likely pathogenic for Dilated cardiomyopathy 1G; Autosomal recessive limb-girdle muscular dystrophy type 2J. Last evaluated: 2024-10-16. Review status: criteria provided, single submitter. Criteria: Invitae Variant Classification Sherloc (09022015). Collection method: clinical testing. Allele origin: germline.
Comment: This sequence change creates a premature translational stop signal (p.Trp15996*) in the TTN gene. While this is not anticipated to result in nonsense mediated decay, it is expected to create a truncated TTN protein. This variant is not present in population databases (gnomAD no frequency). This premature translational stop signal has been observed in individual(s) with dilated cardiomyopathy (internal data). This variant is located in the A band of TTN (PMID: 25589632). Truncating variants in this region are significantly overrepresented in patients affected with dilated cardiomyopathy (PMID: 25589632). Truncating variants in this region have also been reported in individuals affected with autosomal recessive centronuclear myopathy (PMID: 23975875). In summary, the currently available evidence indicates that the variant is pathogenic, but additional data are needed to prove that conclusively. Therefore, this variant has been classified as Likely Pathogenic.

Literature cited by the submitters: PubMed 25589632; PubMed 23975875.

NM_001267550.2(TTN):c.47988G>A (p.Trp15996Ter)

Genes: TTN-AS1 (TTN antisense RNA 1; plus strand), TTN (titin; minus strand). Cytogenetic location: 2q31.2.
Variant type: single nucleotide variant.
Coding change: c.47988G>A on transcript NM_001267550.2 (MANE Select); coding-DNA position 47988, G replaced by A.
Protein change: p.Trp15996Ter; replaces tryptophan 15996 with a stop codon.
Molecular consequence: nonsense.
Genome position (GRCh38, 1-based): chr2:178,616,901, C>T on the plus strand (G>A on the coding strand, the complement: TTN is on the minus strand). VCF-style: chr2-178616901-C-T. GRCh37 (hg19) VCF-style: chr2-179481628-C-T.
Other names: c.43065G>A, p.Trp14355Ter (NM_001256850.1); c.20793G>A, p.Trp6931Ter (NM_003319.4); c.40284G>A, p.Trp13428Ter (NM_133378.4); c.21168G>A, p.Trp7056Ter (NM_133432.3); c.21369G>A, p.Trp7123Ter (NM_133437.4); short protein forms W13428*, W15996*, W14355*, W6931*, W7123*, W7056*.
Identifiers: ClinVar variation 2954092 (VCV002954092.3), dbSNP rs2470822562, ClinGen allele CA349612483.